The following is an entry in ClinVar:

NM_007194.4(CHEK2):c.415T>A (p.Tyr139Asn)

Gene: CHEK2 (checkpoint kinase 2; minus strand). Cytogenetic location: 22q12.1.
Variant type: single nucleotide variant.
Coding change: c.415T>A on transcript NM_007194.4 (MANE Select); coding-DNA position 415, T replaced by A.
Protein change: p.Tyr139Asn; replaces tyrosine 139 with asparagine.
Molecular consequence: missense variant.
Genome position (GRCh38, 1-based): chr22:28,725,272, A>T on the plus strand (T>A on the coding strand, the complement: CHEK2 is on the minus strand). VCF-style: chr22-28725272-A-T. GRCh37 (hg19) VCF-style: chr22-29121260-A-T.
Other names: c.544T>A, p.Tyr182Asn (NM_001005735.3); c.-363T>A (NM_001257387.3); c.415T>A, p.Tyr139Asn (NM_001349956.3, NM_145862.3); short protein forms Y139N, Y182N.
Identifiers: ClinVar variation 945342 (VCV000945342.11), dbSNP rs730881703, ClinGen allele CA411107958.

ClinVar aggregate classification (germline): Uncertain significance. Review status: criteria provided, multiple submitters, no conflicts (2 of 4 stars). 2 submissions from 2 submitters: Uncertain significance (2). Last evaluated 2023-09-23.

Conditions:
Hereditary cancer-predisposing syndrome. Also called: Neoplastic Syndromes, Hereditary; Hereditary Cancer Syndrome; Tumor predisposition; Hereditary neoplastic syndrome. Identifiers: Orphanet 140162, MedGen C0027672, MeSH D009386, MONDO:0015356.
Familial cancer of breast. Also called: hereditary breast carcinoma; BREAST CANCER, FAMILIAL; Hereditary breast cancer. Identifiers: Orphanet 227535, MedGen C0346153, MONDO:0016419, OMIM 114480. Disease mechanism: loss of function.

Submissions (2):

Ambry Genetics
Classification: Uncertain significance for Hereditary cancer-predisposing syndrome. Last evaluated: 2023-09-23. Review status: criteria provided, single submitter. Criteria: Ambry Variant Classification Scheme 2023. Collection method: clinical testing. Allele origin: germline.
Comment: The p.Y139N variant (also known as c.415T>A), located in coding exon 2 of the CHEK2 gene, results from a T to A substitution at nucleotide position 415. The tyrosine at codon 139 is replaced by asparagine, an amino acid with dissimilar properties. This amino acid position is highly conserved in available vertebrate species. In addition, this alteration is predicted to be deleterious by in silico analysis. Since supporting evidence is limited at this time, the clinical significance of this alteration remains unclear.

Labcorp Genetics (formerly Invitae), Labcorp
Classification: Uncertain significance for Familial cancer of breast. Last evaluated: 2020-08-06. Review status: criteria provided, single submitter. Criteria: Invitae Variant Classification Sherloc (09022015). Collection method: clinical testing. Allele origin: germline.
Comment: This sequence change replaces tyrosine with asparagine at codon 139 of the CHEK2 protein (p.Tyr139Asn). The tyrosine residue is highly conserved and there is a large physicochemical difference between tyrosine and asparagine. This variant is not present in population databases (ExAC no frequency). This variant has not been reported in the literature in individuals with CHEK2-related conditions. Algorithms developed to predict the effect of missense changes on protein structure and function (SIFT, PolyPhen-2, Align-GVGD) all suggest that this variant is likely to be disruptive, but these predictions have not been confirmed by published functional studies and their clinical significance is uncertain. In summary, the available evidence is currently insufficient to determine the role of this variant in disease. Therefore, it has been classified as a Variant of Uncertain Significance.